The following is an entry in ClinVar:

ClinVar aggregate classification (germline): Benign/Likely benign. Review status: criteria provided, multiple submitters, no conflicts (2 of 4 stars). 6 submissions from 6 submitters: Benign (1); Likely benign (4). 1 of the submissions does not count toward it. Last evaluated 2026-01-26.

Conditions:
Inborn genetic diseases. Identifiers: MedGen C0950123, MeSH D030342.
ATRX-related disorder. Also called: ATRX-related condition.
Alpha thalassemia-X-linked intellectual disability syndrome (ATRX). Also called: X-linked alpha-thalassemia-mental retardation syndrome; ALPHA-THALASSEMIA/MENTAL RETARDATION SYNDROME, X-LINKED; ATR, NONDELETION TYPE; ATR-X syndrome; Alpha thalassemia mental retardation syndrome, nondeletion type, X-linked; XLMR hypotonic face syndrome. Identifiers: Orphanet 847, MedGen C1845055, MONDO:0010519, OMIM 301040.

Allele frequency attached by ClinVar (database versions not stated): gnomAD exomes 0.00003 and 0.00008; ExAC 0.00008; 1000 Genomes Project 30x 0.00021; gnomAD 0.00025 and 0.00026; TOPMed 0.00025; 1000 Genomes Project 0.00026; ESP Exome Variant Server 0.00028.
gnomAD v4.1: 57 of 1,209,135 alleles (0.0047%); highest among the groups gnomAD compares: African/African-American, 0.087%; no homozygotes.

Submissions (6):

Labcorp Genetics (formerly Invitae), Labcorp
Classification: Likely benign for Alpha thalassemia-X-linked intellectual disability syndrome. Last evaluated: 2026-01-26. Review status: criteria provided, single submitter. Criteria: Invitae Variant Classification Sherloc (09022015). Collection method: clinical testing. Allele origin: germline.

Ambry Genetics
Classification: Likely benign for Inborn genetic diseases. Last evaluated: 2025-08-25. Review status: criteria provided, single submitter. Criteria: Ambry Variant Classification Scheme 2023. Collection method: clinical testing. Allele origin: germline.

PreventionGenetics, part of Exact Sciences
Classification: Likely benign for ATRX-related condition. Last evaluated: 2024-11-09. Review status: criteria provided, single submitter. Criteria: ACMG Guidelines, 2015. Collection method: clinical testing. Allele origin: germline.
Comment: This variant is classified as likely benign based on ACMG/AMP sequence variant interpretation guidelines (Richards et al. 2015 PMID: 25741868, with internal and published modifications).

GeneDx
Classification: Benign. Last evaluated: 2020-12-15. Review status: criteria provided, single submitter. Criteria: GeneDx Variant Classification Process June 2021. Collection method: clinical testing. Allele origin: germline. Affected: yes.
Comment: This variant is associated with the following publications: (PMID: 24728327)

Breakthrough Genomics
Classification: Likely benign. Review status: criteria provided, single submitter. Criteria: ACMG Guidelines, 2015. Collection method: not provided. Allele origin: germline. Inheritance: X-linked inheritance. Affected: yes.

ITMI
No classification provided. Condition: AllHighlyPenetrant. Last evaluated: 2013-09-19. Review status: no classification provided. Collection method: reference population. Allele origin: germline. Not counted in ClinVar's aggregate classification.
Comment: Please see associated publication for description of ethnicities

Literature cited by the submitters: PubMed 24728327 (cited by ITMI).

NM_000489.6(ATRX):c.2680A>C (p.Thr894Pro)

Gene: ATRX (ATRX chromatin remodeler; minus strand). Cytogenetic location: Xq21.1.
Variant type: single nucleotide variant.
Coding change: c.2680A>C on transcript NM_000489.6 (MANE Select); coding-DNA position 2680, A replaced by C.
Protein change: p.Thr894Pro; replaces threonine 894 with proline.
Molecular consequence: missense variant.
Genome position (GRCh38, 1-based): chrX:77,682,576, T>G on the plus strand (A>C on the coding strand, the complement: ATRX is on the minus strand). VCF-style: chrX-77682576-T-G. GRCh37 (hg19) VCF-style: chrX-76938068-T-G.
Other names: c.2566A>C, p.Thr856Pro (NM_138270.5); short protein forms T894P, T856P.
Identifiers: ClinVar variation 133650 (VCV000133650.17), dbSNP rs145807475, ClinGen allele CA157224.